The following is an entry in ClinVar:

ClinVar aggregate classification (germline): Pathogenic/Likely pathogenic. Review status: criteria provided, multiple submitters, no conflicts (2 of 4 stars). 3 submissions from 3 submitters: Pathogenic (2); Likely pathogenic (1). Last evaluated 2025-02-26.

Conditions:
Hereditary cancer-predisposing syndrome. Also called: Neoplastic Syndromes, Hereditary; Tumor predisposition; Hereditary neoplastic syndrome; Hereditary Cancer Syndrome. Identifiers: Orphanet 140162, MedGen C0027672, MeSH D009386, MONDO:0015356.
Cardiovascular phenotype. Identifiers: MedGen CN230736.
LZTR1-related schwannomatosis. Also called: Schwannomatosis 2; Schwannomatosis-2, susceptibility to. Identifiers: Orphanet 93921, MedGen C3810283, MONDO:0014299, OMIM 615670.

Allele frequency attached by ClinVar (database versions not stated): gnomAD exomes below 0.00001; ESP Exome Variant Server 0.00008.
gnomAD v4.1: 2 of 1,613,006 alleles (0.00012%); highest among the groups gnomAD compares: Non-Finnish European, 0.00017%; no homozygotes.

Submissions (3):

Labcorp Genetics (formerly Invitae), Labcorp
Classification: Pathogenic. Last evaluated: 2025-02-26. Review status: criteria provided, single submitter. Criteria: Invitae Variant Classification Sherloc (09022015). Collection method: clinical testing. Allele origin: germline.
Comment: This sequence change creates a premature translational stop signal (p.Gln634*) in the LZTR1 gene. It is expected to result in an absent or disrupted protein product. Loss-of-function variants in LZTR1 are known to be pathogenic (PMID: 24362817, 25335493, 25480913, 25795793, 29469822, 30368668, 30442762, 30442766, 30481304, 30859559). This variant is not present in population databases (gnomAD no frequency). This variant has not been reported in the literature in individuals affected with LZTR1-related conditions. ClinVar contains an entry for this variant (Variation ID: 3241854). For these reasons, this variant has been classified as Pathogenic.

Ambry Genetics
Classification: Pathogenic for Cardiovascular phenotype; Hereditary cancer-predisposing syndrome. Last evaluated: 2024-12-03. Review status: criteria provided, single submitter. Criteria: Ambry Variant Classification Scheme 2023. Collection method: clinical testing. Allele origin: germline.
Comment: The p.Q634* pathogenic mutation (also known as c.1900C>T), located in coding exon 16 of the LZTR1 gene, results from a C to T substitution at nucleotide position 1900. This changes the amino acid from a glutamine to a stop codon within coding exon 16. Loss-of-function variants in LZTR1 are related to an increased risk for schwannomas and autosomal recessive Noonan syndrome; however, such associations with autosomal dominant Noonan syndrome have not been observed (Piotrowski A et al. Nat Genet. 2014 Feb;46:182-7; Yamamoto GL et al. J Med Genet. 2015 Jun;52:413-21; Johnston JJ et al. Genet Med. 2018 10;20:1175-1185). Based on the supporting evidence, this variant is pathogenic for an increased risk of LZTR1-related schwannomatosis (SWN) and would be expected to cause autosomal recessive Noonan syndrome when present along with a second pathogenic or likely pathogenic variant on the other allele; however, the association of this alteration with autosomal dominant Noonan syndrome is unlikely.

Baylor Genetics
Classification: Likely pathogenic for LZTR1-related schwannomatosis. Last evaluated: 2024-03-01. Review status: criteria provided, single submitter. Criteria: ACMG Guidelines, 2015. Collection method: clinical testing. Allele origin: unknown.

Literature cited by the submitters: PubMed 24362817 (cited by Labcorp Genetics (formerly Invitae), Labcorp); PubMed 25335493 (cited by Labcorp Genetics (formerly Invitae), Labcorp); PubMed 25480913 (cited by Labcorp Genetics (formerly Invitae), Labcorp); PubMed 25795793 (cited by Labcorp Genetics (formerly Invitae), Labcorp); PubMed 29469822 (cited by Labcorp Genetics (formerly Invitae), Labcorp); PubMed 30368668 (cited by Labcorp Genetics (formerly Invitae), Labcorp); PubMed 30442762 (cited by Labcorp Genetics (formerly Invitae), Labcorp); PubMed 30442766 (cited by Labcorp Genetics (formerly Invitae), Labcorp); PubMed 30481304 (cited by Labcorp Genetics (formerly Invitae), Labcorp); PubMed 30859559 (cited by Labcorp Genetics (formerly Invitae), Labcorp).

NM_006767.4(LZTR1):c.1900C>T (p.Gln634Ter)

Gene: LZTR1 (leucine zipper like post translational regulator 1; plus strand). Cytogenetic location: 22q11.21.
Variant type: single nucleotide variant.
Coding change: c.1900C>T on transcript NM_006767.4 (MANE Select); coding-DNA position 1900, C replaced by T.
Protein change: p.Gln634Ter; replaces glutamine 634 with a stop codon.
Molecular consequence: nonsense.
Genome position (GRCh38, 1-based): chr22:20,994,984, C>T. VCF-style: chr22-20994984-C-T. GRCh37 (hg19) VCF-style: chr22-21349273-C-T.
Other names: c.1900C>T (NM_006767.3); short protein forms Q634*.
Identifiers: ClinVar variation 3241854 (VCV003241854.4), dbSNP rs144711904.